The following is an entry in ClinVar:

NM_000059.4(BRCA2):c.1117C>G (p.Gln373Glu)

Gene: BRCA2 (BRCA2 DNA repair associated; plus strand). Cytogenetic location: 13q13.1.
Variant type: single nucleotide variant.
Coding change: c.1117C>G on transcript NM_000059.4 (MANE Select); coding-DNA position 1117, C replaced by G.
Protein change: p.Gln373Glu; replaces glutamine 373 with glutamic acid.
Molecular consequence: missense variant.
Genome position (GRCh38, 1-based): chr13:32,332,595, C>G. VCF-style: chr13-32332595-C-G. GRCh37 (hg19) VCF-style: chr13-32906732-C-G.
Other names: c.1117C>G, p.Gln373Glu (NM_001406719.1, NM_001406720.1, NM_001406721.1); short protein forms Q373E.
Identifiers: ClinVar variation 1796523 (VCV001796523.4), dbSNP rs397507572, ClinGen allele CA387761642.

ClinVar aggregate classification (germline): Conflicting classifications of pathogenicity. Review status: criteria provided, conflicting classifications (1 of 4 stars). 2 submissions from 2 submitters: Uncertain significance (1); Likely benign (1). Last evaluated 2023-03-23.

Conditions:
Hereditary cancer-predisposing syndrome. Also called: Tumor predisposition; Hereditary Cancer Syndrome; Neoplastic Syndromes, Hereditary; Hereditary neoplastic syndrome. Identifiers: Orphanet 140162, MedGen C0027672, MeSH D009386, MONDO:0015356.

Allele frequency attached by ClinVar (database versions not stated): gnomAD exomes below 0.00001.
gnomAD v4.1: 1 of 1,613,848 alleles (0.000062%); highest among the groups gnomAD compares: Non-Finnish European, 0.000085%; no homozygotes.

Submissions (2):

University of Washington Department of Laboratory Medicine, University of Washington
Classification: Likely benign for Hereditary cancer-predisposing syndrome. Last evaluated: 2023-03-23. Review status: criteria provided, single submitter. Criteria: Dines et al. (Genet Med. 2020). Collection method: curation. Allele origin: germline.
Comment: Missense variant in a coldspot region where missense variants are very unlikely to be pathogenic (PMID:31911673).

BRCA2 exon 10 coldspot. Reclassification based on statistical prior probability.

Ambry Genetics
Classification: Uncertain significance for Hereditary cancer-predisposing syndrome. Last evaluated: 2019-12-23. Review status: criteria provided, single submitter. Criteria: Ambry Variant Classification Scheme 2023. Collection method: clinical testing. Allele origin: germline.
Comment: The p.Q373E variant (also known as c.1117C>G), located in coding exon 9 of the BRCA2 gene, results from a C to G substitution at nucleotide position 1117. The glutamine at codon 373 is replaced by glutamic acid, an amino acid with highly similar properties. This amino acid position is well conserved in available vertebrate species. In addition, this alteration is predicted to be tolerated by in silico analysis. Since supporting evidence is limited at this time, the clinical significance of this alteration remains unclear.